The following is an entry in ClinVar:

NM_000059.4(BRCA2):c.4882A>G (p.Lys1628Glu)

Gene: BRCA2 (BRCA2 DNA repair associated; plus strand). Cytogenetic location: 13q13.1.
Variant type: single nucleotide variant.
Coding change: c.4882A>G on transcript NM_000059.4 (MANE Select); coding-DNA position 4882, A replaced by G.
Protein change: p.Lys1628Glu; replaces lysine 1628 with glutamic acid.
Molecular consequence: missense variant.
Genome position (GRCh38, 1-based): chr13:32,339,237, A>G. VCF-style: chr13-32339237-A-G. GRCh37 (hg19) VCF-style: chr13-32913374-A-G.
Other names: short protein forms K1628E.
Identifiers: ClinVar variation 922620 (VCV000922620.4), dbSNP rs2072514905, ClinGen allele CA387783494.

ClinVar aggregate classification (germline): Conflicting classifications of pathogenicity. Review status: criteria provided, conflicting classifications (1 of 4 stars). 2 submissions from 2 submitters: Uncertain significance (1); Likely benign (1). Last evaluated 2023-03-23.

Conditions:
Hereditary cancer-predisposing syndrome. Also called: Neoplastic Syndromes, Hereditary; Tumor predisposition; Hereditary Cancer Syndrome; Hereditary neoplastic syndrome. Identifiers: Orphanet 140162, MedGen C0027672, MeSH D009386, MONDO:0015356.

Submissions (2):

University of Washington Department of Laboratory Medicine, University of Washington
Classification: Likely benign for Hereditary cancer-predisposing syndrome. Last evaluated: 2023-03-23. Review status: criteria provided, single submitter. Criteria: Dines et al. (Genet Med. 2020). Collection method: curation. Allele origin: germline.
Comment: Missense variant in a coldspot region where missense variants are very unlikely to be pathogenic (PMID:31911673).

BRCA2 exon 11 coldspot. Reclassification based on statistical prior probability.

Color Diagnostics, LLC DBA Color Health
Classification: Uncertain significance for Hereditary cancer-predisposing syndrome. Last evaluated: 2019-05-30. Review status: criteria provided, single submitter. Criteria: ACMG Guidelines, 2015. Collection method: clinical testing. Allele origin: germline.